The following is an entry in ClinVar:

NM_133459.4(CCBE1):c.*1040C>T

Gene: CCBE1 (collagen and calcium binding EGF domains 1; minus strand). Cytogenetic location: 18q21.32.
Variant type: single nucleotide variant.
Coding change: c.*1040C>T on transcript NM_133459.4 (MANE Select); 1040 bases downstream of the stop codon, C replaced by T.
Molecular consequence: 3 prime UTR variant.
Genome position (GRCh38, 1-based): chr18:59,434,868, G>A on the plus strand (C>T on the coding strand, the complement: CCBE1 is on the minus strand). VCF-style: chr18-59434868-G-A. GRCh37 (hg19) VCF-style: chr18-57102100-G-A.
Other names: c.*1040C>T (LRG_1209t1).
Identifiers: ClinVar variation 327679 (VCV000327679.6), dbSNP rs78905013, ClinGen allele CA10641987.

ClinVar aggregate classification (germline): Benign. Review status: criteria provided, multiple submitters, no conflicts (2 of 4 stars). 2 submissions from 2 submitters: Benign (2). Last evaluated 2018-01-12.

Conditions:
Hennekam lymphangiectasia-lymphedema syndrome 1 (HKLLS1). Also called: LYMPHATIC DYSPLASIA, GENERALIZED. Identifiers: Orphanet 2136, MedGen C4012050, MONDO:0009337, OMIM 235510.

Allele frequency attached by ClinVar (database versions not stated): gnomAD 0.01453 and 0.01557; TOPMed 0.01697; 1000 Genomes Project 0.01777; 1000 Genomes Project 30x 0.01889.

Submissions (2):

Illumina Laboratory Services, Illumina
Classification: Benign for Hennekam lymphangiectasia-lymphedema syndrome 1. Last evaluated: 2018-01-12. Review status: criteria provided, single submitter. Criteria: ICSL Variant Classification Criteria 13 December 2019. Collection method: clinical testing. Allele origin: germline.
Comment: This variant was observed in the ICSL laboratory as part of a predisposition screen in an ostensibly healthy population. It had not been previously curated by ICSL or reported in the Human Gene Mutation Database (HGMD: prior to June 1st, 2018), and was therefore a candidate for classification through an automated scoring system. Utilizing variant allele frequency, disease prevalence and penetrance estimates, and inheritance mode, an automated score was calculated to assess if this variant is too frequent to cause the disease. Based on the score and internal cut-off values, a variant classified as benign is not then subjected to further curation. The score for this variant resulted in a classification of benign for this disease.

Breakthrough Genomics
Classification: Benign. Review status: criteria provided, single submitter. Criteria: ACMG Guidelines, 2015. Collection method: not provided. Allele origin: germline. Inheritance: Autosomal recessive inheritance. Affected: yes.